The following is an entry in ClinVar:

NM_004958.4(MTOR):c.7020C>T (p.His2340=)

Gene: MTOR (mechanistic target of rapamycin kinase; minus strand). Cytogenetic location: 1p36.22.
Variant type: single nucleotide variant.
Coding change: c.7020C>T on transcript NM_004958.4 (MANE Select); coding-DNA position 7020, C replaced by T.
Protein change: p.His2340=; no amino-acid change (histidine 2340 retained).
Molecular consequence: synonymous variant.
Genome position (GRCh38, 1-based): chr1:11,115,465, G>A on the plus strand (C>T on the coding strand, the complement: MTOR is on the minus strand). VCF-style: chr1-11115465-G-A. GRCh37 (hg19) VCF-style: chr1-11175522-G-A.
Other names: c.7020C>T, p.His2340= (NM_001386500.1); c.5772C>T, p.His1924= (NM_001386501.1).
Identifiers: ClinVar variation 1585591 (VCV001585591.23), dbSNP rs759942283, ClinGen allele CA588945.

ClinVar aggregate classification (germline): Likely benign. Review status: criteria provided, multiple submitters, no conflicts (2 of 4 stars). 2 submissions from 2 submitters: Likely benign (2). Last evaluated 2024-10-27.

Allele frequency attached by ClinVar (database versions not stated): TOPMed below 0.00001; gnomAD exomes 0.00001; ExAC 0.00002; gnomAD 0.00002.
gnomAD v4.1: 14 of 1,613,930 alleles (0.00087%); highest among the groups gnomAD compares: Admixed American, 0.0017%; no homozygotes.

Submissions (2):

Labcorp Genetics (formerly Invitae), Labcorp
Classification: Likely benign. Last evaluated: 2024-10-27. Review status: criteria provided, single submitter. Criteria: Invitae Variant Classification Sherloc (09022015). Collection method: clinical testing. Allele origin: germline.

CeGaT Center for Human Genetics Tuebingen
Classification: Likely benign. Last evaluated: 2024-09-01. Review status: criteria provided, single submitter. Criteria: CeGaT Center For Human Genetics Tuebingen Variant Classification Criteria Version 2. Collection method: clinical testing. Allele origin: germline. Affected: yes. Observed: 1 variant allele.
Comment: MTOR: BP4